The following is an entry in ClinVar:

NM_080732.4(EGLN2):c.252T>A (p.Asp84Glu)

Genes: EGLN2 (egl-9 family hypoxia inducible factor 2; plus strand), RAB4B-EGLN2 (RAB4B-EGLN2 readthrough (NMD candidate); plus strand). Cytogenetic location: 19q13.2.
Variant type: single nucleotide variant.
Coding change: c.252T>A on transcript NM_080732.4 (MANE Select); coding-DNA position 252, T replaced by A.
Protein change: p.Asp84Glu; replaces aspartic acid 84 with glutamic acid.
Molecular consequence: missense variant. On other transcripts: non-coding transcript variant (1).
Genome position (GRCh38, 1-based): chr19:40,800,824, T>A. VCF-style: chr19-40800824-T-A. GRCh37 (hg19) VCF-style: chr19-41306729-T-A.
Other names: c.252T>A, p.Asp84Glu (NM_053046.4); short protein forms D84E.
Identifiers: ClinVar variation 3507253 (VCV003507253.1).
Genomic context (GRCh38, chr19:40,800,824, plus strand): 5'-CAGAGCCACAGCCACCTCTACCACTGCCAGCCCTCTTCGGGACGGTTTTGGCGGGCAGGA[T>A]GGTGGTGAGCTGCGGCCGCTGCAGAGTGAAGGCGCTGCAGCGCTGGTCACCAAGGGGTGC-3'
Protein context (NP_542770.2, residues 74-94): SPLRDGFGGQ[Asp84Glu]GGELRPLQSE

ClinVar aggregate classification (germline): Uncertain significance (1 of 4 stars; one submission).

gnomAD v4.1: 1 of 1,613,156 alleles (0.000062%); highest among the groups gnomAD compares: Admixed American, 0.0017%; no homozygotes.

Submission:

Ambry Genetics
Classification: Uncertain significance. Last evaluated: 2024-10-13. Review status: criteria provided, single submitter. Criteria: Ambry Variant Classification Scheme 2023. Collection method: clinical testing. Allele origin: germline.
Comment: The p.D84E variant (also known as c.252T>A), located in coding exon 1 of the EGLN2 gene, results from a T to A substitution at nucleotide position 252. The aspartic acid at codon 84 is replaced by glutamic acid, an amino acid with highly similar properties. This amino acid position is conserved. In addition, this alteration is predicted to be tolerated by in silico analysis. Based on the available evidence, the clinical significance of this variant remains unclear.